The following is an entry in ClinVar:

ClinVar aggregate classification (germline): Uncertain significance. Review status: criteria provided, multiple submitters, no conflicts (2 of 4 stars). 3 submissions from 3 submitters: Uncertain significance (3). Last evaluated 2025-06-10.

Conditions:
Dilated cardiomyopathy 1KK (CMD1KK). Identifiers: Orphanet 154, Orphanet 75249, MedGen C3714995, MONDO:0014100, OMIM 615248.
Cardiovascular phenotype. Identifiers: MedGen CN230736.

Allele frequency attached by ClinVar (database versions not stated): gnomAD exomes below 0.00001; gnomAD 0.00001; TOPMed 0.00001.
gnomAD v4.1: 12 of 1,613,780 alleles (0.00074%); highest among the groups gnomAD compares: African/African-American, 0.0027%; no homozygotes.

Submissions (3):

Ambry Genetics
Classification: Uncertain significance for Cardiovascular phenotype. Last evaluated: 2025-06-10. Review status: criteria provided, single submitter. Criteria: Ambry Variant Classification Scheme 2023. Collection method: clinical testing. Allele origin: germline.
Comment: The p.R1072Q variant (also known as c.3215G>A), located in coding exon 15 of the MYPN gene, results from a G to A substitution at nucleotide position 3215. The arginine at codon 1072 is replaced by glutamine, an amino acid with highly similar properties. This amino acid position is conserved. In addition, this alteration is predicted to be tolerated by in silico analysis. Based on the available evidence, the clinical significance of this variant remains unclear.

Revvity Omics, Revvity
Classification: Uncertain significance. Last evaluated: 2025-03-03. Review status: criteria provided, single submitter. Criteria: ACMG Guidelines, 2015. Collection method: clinical testing. Allele origin: germline.

Labcorp Genetics (formerly Invitae), Labcorp
Classification: Uncertain significance for Dilated cardiomyopathy 1KK. Last evaluated: 2024-01-22. Review status: criteria provided, single submitter. Criteria: Invitae Variant Classification Sherloc (09022015). Collection method: clinical testing. Allele origin: germline.
Comment: This sequence change replaces arginine, which is basic and polar, with glutamine, which is neutral and polar, at codon 1072 of the MYPN protein (p.Arg1072Gln). This variant is present in population databases (no rsID available, gnomAD 0.003%). This variant has not been reported in the literature in individuals affected with MYPN-related conditions. ClinVar contains an entry for this variant (Variation ID: 653858). An algorithm developed to predict the effect of missense changes on protein structure and function (PolyPhen-2) suggests that this variant¬†is likely to be tolerated. In summary, the available evidence is currently insufficient to determine the role of this variant in disease. Therefore, it has been classified as a Variant of Uncertain Significance.

NM_032578.4(MYPN):c.3215G>A (p.Arg1072Gln)

Gene: MYPN (myopalladin; plus strand). Cytogenetic location: 10q21.3.
Variant type: single nucleotide variant.
Coding change: c.3215G>A on transcript NM_032578.4 (MANE Select); coding-DNA position 3215, G replaced by A.
Protein change: p.Arg1072Gln; replaces arginine 1072 with glutamine.
Molecular consequence: missense variant. On other transcripts: non-coding transcript variant (2).
Genome position (GRCh38, 1-based): chr10:68,197,408, G>A. VCF-style: chr10-68197408-G-A. GRCh37 (hg19) VCF-style: chr10-69957165-G-A.
Other names: c.3215G>A (NM_032578.2); c.3215G>A, p.Arg1072Gln (NM_001256267.2); c.2333G>A, p.Arg778Gln (NM_001256268.2); short protein forms R778Q, R1072Q.
Identifiers: ClinVar variation 653858 (VCV000653858.9), dbSNP rs1315597952, ClinGen allele CA376858351.